The following is an entry in ClinVar:

NM_032861.4(SERAC1):c.1365C>T (p.Thr455=)

Gene: SERAC1 (serine active site containing 1; minus strand). Cytogenetic location: 6q25.3.
Variant type: single nucleotide variant.
Coding change: c.1365C>T on transcript NM_032861.4 (MANE Select); coding-DNA position 1365, C replaced by T.
Protein change: p.Thr455=; no amino-acid change (threonine 455 retained).
Molecular consequence: synonymous variant.
Genome position (GRCh38, 1-based): chr6:158,117,765, G>A on the plus strand (C>T on the coding strand, the complement: SERAC1 is on the minus strand). VCF-style: chr6-158117765-G-A. GRCh37 (hg19) VCF-style: chr6-158538797-G-A.
Identifiers: ClinVar variation 1973873 (VCV001973873.5), dbSNP rs2483473097, ClinGen allele CA452820400.

ClinVar aggregate classification (germline): Uncertain significance (1 of 4 stars; one submission).

Conditions:
3-methylglutaconic aciduria with deafness, encephalopathy, and Leigh-like syndrome (MEGDEL). Also called: MEGDEL syndrome; 3-METHYLGLUTACONIC ACIDURIA, TYPE VI; SERAC1 Deficiency. Identifiers: Orphanet 352328, MedGen C4040739, MONDO:0013875, OMIM 614739.

Submission:

Labcorp Genetics (formerly Invitae), Labcorp
Classification: Uncertain significance for 3-methylglutaconic aciduria with deafness, encephalopathy, and Leigh-like syndrome. Last evaluated: 2022-03-04. Review status: criteria provided, single submitter. Criteria: Invitae Variant Classification Sherloc (09022015). Collection method: clinical testing. Allele origin: germline.
Comment: This sequence change affects codon 455 of the SERAC1 mRNA. It is a 'silent' change, meaning that it does not change the encoded amino acid sequence of the SERAC1 protein. This variant is not present in population databases (gnomAD no frequency). This variant has not been reported in the literature in individuals affected with SERAC1-related conditions. Algorithms developed to predict the effect of sequence changes on RNA splicing suggest that this variant may disrupt the consensus splice site. In summary, the available evidence is currently insufficient to determine the role of this variant in disease. Therefore, it has been classified as a Variant of Uncertain Significance.